The following is an entry in ClinVar:

NM_001104631.2(PDE4D):c.746G>A (p.Arg249Gln)

Gene: PDE4D (phosphodiesterase 4D; minus strand). Cytogenetic location: 5q11.2.
Variant type: single nucleotide variant.
Coding change: c.746G>A on transcript NM_001104631.2 (MANE Select); coding-DNA position 746, G replaced by A.
Protein change: p.Arg249Gln; replaces arginine 249 with glutamine.
Molecular consequence: missense variant. On other transcripts: 5 prime UTR variant (1), intron variant (2).
Genome position (GRCh38, 1-based): chr5:59,185,201, C>T on the plus strand (G>A on the coding strand, the complement: PDE4D is on the minus strand). VCF-style: chr5-59185201-C-T. GRCh37 (hg19) VCF-style: chr5-58481027-C-T.
Other names: c.563G>A, p.Arg188Gln (NM_001165899.2, NM_001364599.1, NM_001364600.2); c.554G>A, p.Arg185Gln (NM_001197218.2, NM_001364602.2); c.380G>A, p.Arg127Gln (NM_001197219.2); c.356G>A, p.Arg119Gln (NM_001197220.2); c.533G>A, p.Arg178Gln (NM_001349241.2); c.416G>A, p.Arg139Gln (NM_001349242.2); c.-205G>A (NM_001364603.1); c.338G>A, p.Arg113Gln (NM_006203.5); and 2 more; short protein forms R249Q, R113Q, R127Q, R119Q, R178Q, R185Q, R139Q, R188Q.
Identifiers: ClinVar variation 2973167 (VCV002973167.4), dbSNP rs771830270, ClinGen allele CA3276352.
Genomic context (GRCh38, chr5:59,185,201, plus strand): 5'-TTATTTAAAAGTTCAGCAAAAAAGAGGGGGGAAAAAAGGATATCTTACTTGCTAGGTGCT[C>T]GATCTTGCAAATTAGTTAATGCAGCAAAGTTGTTTCGTACAGTTCGCAGACTGGCCAAGA-3'
Protein context (NP_001098101.1, residues 239-259): NFAALTNLQD[Arg249Gln]APSKRSPMCN

ClinVar aggregate classification (germline): Uncertain significance. Review status: criteria provided, multiple submitters, no conflicts (2 of 4 stars). 2 submissions from 2 submitters: Uncertain significance (2). Last evaluated 2025-07-12.

Conditions:
Inborn genetic diseases. Identifiers: MedGen C0950123, MeSH D030342.

Allele frequency attached by ClinVar (database versions not stated): ExAC 0.00002; TOPMed 0.00002.
gnomAD v4.1: 8 of 1,612,232 alleles (0.0005%); highest among the groups gnomAD compares: Non-Finnish European, 0.00059%; no homozygotes.

Submissions (2):

Ambry Genetics
Classification: Uncertain significance for Inborn genetic diseases. Last evaluated: 2025-07-12. Review status: criteria provided, single submitter. Criteria: Ambry Variant Classification Scheme 2023. Collection method: clinical testing. Allele origin: germline.

Labcorp Genetics (formerly Invitae), Labcorp
Classification: Uncertain significance. Last evaluated: 2022-12-07. Review status: criteria provided, single submitter. Criteria: Invitae Variant Classification Sherloc (09022015). Collection method: clinical testing. Allele origin: germline.
Comment: In summary, the available evidence is currently insufficient to determine the role of this variant in disease. Therefore, it has been classified as a Variant of Uncertain Significance. Algorithms developed to predict the effect of missense changes on protein structure and function are either unavailable or do not agree on the potential impact of this missense change (SIFT: "Tolerated"; PolyPhen-2: "Possibly Damaging"; Align-GVGD: "Class C0"). This variant has not been reported in the literature in individuals affected with PDE4D-related conditions. This variant is present in population databases (rs771830270, gnomAD 0.002%). This sequence change replaces arginine, which is basic and polar, with glutamine, which is neutral and polar, at codon 249 of the PDE4D protein (p.Arg249Gln).